The following is an entry in ClinVar:

NM_006231.4(POLE):c.1185G>T (p.Gly395=)

Gene: POLE (DNA polymerase epsilon, catalytic subunit; minus strand). Cytogenetic location: 12q24.33.
Variant type: single nucleotide variant.
Coding change: c.1185G>T on transcript NM_006231.4 (MANE Select); coding-DNA position 1185, G replaced by T.
Protein change: p.Gly395=; no amino-acid change (glycine 395 retained).
Molecular consequence: synonymous variant.
Genome position (GRCh38, 1-based): chr12:132,675,439, C>A on the plus strand (G>T on the coding strand, the complement: POLE is on the minus strand). VCF-style: chr12-132675439-C-A. GRCh37 (hg19) VCF-style: chr12-133252025-C-A.
Identifiers: ClinVar variation 1367925 (VCV001367925.8), dbSNP rs1593076777, ClinGen allele CA482849651.

ClinVar aggregate classification (germline): Uncertain significance (1 of 4 stars; one submission).

Submission:

Labcorp Genetics (formerly Invitae), Labcorp
Classification: Uncertain significance. Last evaluated: 2021-02-26. Review status: criteria provided, single submitter. Criteria: Invitae Variant Classification Sherloc (09022015). Collection method: clinical testing. Allele origin: germline.
Comment: In summary, the available evidence is currently insufficient to determine the role of this variant in disease. Therefore, it has been classified as a Variant of Uncertain Significance. Algorithms developed to predict the effect of sequence changes on RNA splicing suggest that this variant may create or strengthen a splice site, but this prediction has not been confirmed by published transcriptional studies. This variant has not been reported in the literature in individuals with POLE-related conditions. This variant is not present in population databases (ExAC no frequency). This sequence change affects codon 395 of the POLE mRNA. It is a 'silent' change, meaning that it does not change the encoded amino acid sequence of the POLE protein.